The following is an entry in ClinVar:

ClinVar aggregate classification (germline): Uncertain significance (0 of 4 stars; one submission).

Conditions:
TBK1-related disorder. Also called: TBK1-related condition.

gnomAD v4.1: 2 of 1,613,990 alleles (0.00012%); highest among the groups gnomAD compares: African/African-American, 0.0013%; no homozygotes.

Submission:

PreventionGenetics, part of Exact Sciences
Classification: Uncertain significance for TBK1-related condition. Last evaluated: 2024-09-03. Review status: no assertion criteria provided. Collection method: clinical testing. Allele origin: germline.
Comment: The TBK1 c.1580C>T variant is predicted to result in the amino acid substitution p.Ser527Phe. To our knowledge, this variant has not been reported in the literature or in a large population database, indicating this variant is rare. At this time, the clinical significance of this variant is uncertain due to the absence of conclusive functional and genetic evidence.

NM_013254.4(TBK1):c.1580C>T (p.Ser527Phe)

Gene: TBK1 (TANK binding kinase 1; plus strand). Cytogenetic location: 12q14.2.
Variant type: single nucleotide variant.
Coding change: c.1580C>T on transcript NM_013254.4 (MANE Select); coding-DNA position 1580, C replaced by T.
Protein change: p.Ser527Phe; replaces serine 527 with phenylalanine.
Molecular consequence: missense variant.
Genome position (GRCh38, 1-based): chr12:64,495,541, C>T. VCF-style: chr12-64495541-C-T. GRCh37 (hg19) VCF-style: chr12-64889321-C-T.
Other names: short protein forms S527F.
Identifiers: ClinVar variation 3357217 (VCV003357217.1).